The following is an entry in ClinVar:

NM_000039.3(APOA1):c.256G>A (p.Glu86Lys)

Genes: APOA1 (apolipoprotein A1; minus strand), APOA1-AS (APOA1 antisense RNA; plus strand). Cytogenetic location: 11q23.3.
Variant type: single nucleotide variant.
Coding change: c.256G>A on transcript NM_000039.3 (MANE Select); coding-DNA position 256, G replaced by A.
Protein change: p.Glu86Lys; replaces glutamic acid 86 with lysine.
Molecular consequence: missense variant.
Genome position (GRCh38, 1-based): chr11:116,836,356, C>T on the plus strand (G>A on the coding strand, the complement: APOA1 is on the minus strand). VCF-style: chr11-116836356-C-T. GRCh37 (hg19) VCF-style: chr11-116707072-C-T.
Other names: c.256G>A, p.Glu86Lys (NM_001318017.2, NM_001318018.2); c.-72G>A (NM_001318021.2); short protein forms E86K.
Identifiers: ClinVar variation 1793226 (VCV001793226.3), dbSNP rs1429610779, ClinGen allele CA382717192.
Genomic context (GRCh38, chr11:116,836,356, plus strand): 5'-GGCCCTCTGTCTCCTTTTCCAGGTTATCCCAGAACTCCTGGGTCACAGGGCCGAGCTGTT[C>T]GCGCAGCTTGCTGAAGGTGGAGGTCACGCTGTCCCAGTTGTCAAGGAGCTTTAGGCTGGA-3'
Protein context (NP_000030.1, residues 76-96): SVTSTFSKLR[Glu86Lys]QLGPVTQEFW

ClinVar aggregate classification (germline): Uncertain significance (1 of 4 stars; one submission).

Conditions:
Cardiovascular phenotype. Identifiers: MedGen CN230736.

Allele frequency attached by ClinVar (database versions not stated): TOPMed 0.00002.

Submission:

Ambry Genetics
Classification: Uncertain significance for Cardiovascular phenotype. Last evaluated: 2025-01-10. Review status: criteria provided, single submitter. Criteria: Ambry Variant Classification Scheme 2023. Collection method: clinical testing. Allele origin: germline.
Comment: The p.E86K variant (also known as c.256G>A), located in coding exon 3 of the APOA1 gene, results from a G to A substitution at nucleotide position 256. The glutamic acid at codon 86 is replaced by lysine, an amino acid with similar properties. This amino acid position is conserved. In addition, this alteration is predicted to be tolerated by in silico analysis. Since supporting evidence is limited at this time, the clinical significance of this alteration remains unclear.